The following is an entry in ClinVar:

ClinVar aggregate classification (germline): Uncertain significance (1 of 4 stars; one submission).

gnomAD v4.1: 3 of 1,610,390 alleles (0.00019%); highest among the groups gnomAD compares: South Asian, 0.0011%; no homozygotes.

Submission:

Labcorp Genetics (formerly Invitae), Labcorp
Classification: Uncertain significance. Last evaluated: 2023-05-18. Review status: criteria provided, single submitter. Criteria: Invitae Variant Classification Sherloc (09022015). Collection method: clinical testing. Allele origin: germline.
Comment: This sequence change replaces phenylalanine, which is neutral and non-polar, with serine, which is neutral and polar, at codon 366 of the DNA2 protein (p.Phe366Ser). This variant has not been reported in the literature in individuals affected with DNA2-related conditions. Advanced modeling of protein sequence and biophysical properties (such as structural, functional, and spatial information, amino acid conservation, physicochemical variation, residue mobility, and thermodynamic stability) performed at Invitae indicates that this missense variant is not expected to disrupt DNA2 protein function. This variant is present in population databases (no rsID available, gnomAD 0.003%). In summary, the available evidence is currently insufficient to determine the role of this variant in disease. Therefore, it has been classified as a Variant of Uncertain Significance.

NM_001080449.3(DNA2):c.1097T>C (p.Phe366Ser)

Gene: DNA2 (DNA replication helicase/nuclease 2; minus strand). Cytogenetic location: 10q21.3.
Variant type: single nucleotide variant.
Coding change: c.1097T>C on transcript NM_001080449.3 (MANE Select); coding-DNA position 1097, T replaced by C.
Protein change: p.Phe366Ser; replaces phenylalanine 366 with serine.
Molecular consequence: missense variant. On other transcripts: non-coding transcript variant (1).
Genome position (GRCh38, 1-based): chr10:68,445,044, A>G on the plus strand (T>C on the coding strand, the complement: DNA2 is on the minus strand). VCF-style: chr10-68445044-A-G. GRCh37 (hg19) VCF-style: chr10-70204801-A-G.
Other names: short protein forms F366S.
Identifiers: ClinVar variation 2830820 (VCV002830820.3), dbSNP rs1432024029, ClinGen allele CA376862696.